The following is an entry in ClinVar:

ClinVar aggregate classification (germline): Uncertain significance. Review status: criteria provided, multiple submitters, no conflicts (2 of 4 stars). 2 submissions from 2 submitters: Uncertain significance (2). Last evaluated 2024-12-17.

Conditions:
FG syndrome (FGS). Identifiers: MedGen C0220769, MONDO:0002010.

Submissions (2):

Labcorp Genetics (formerly Invitae), Labcorp
Classification: Uncertain significance for FG syndrome. Last evaluated: 2024-12-17. Review status: criteria provided, single submitter. Criteria: Invitae Variant Classification Sherloc (09022015). Collection method: clinical testing. Allele origin: germline.
Comment: This sequence change replaces threonine, which is neutral and polar, with alanine, which is neutral and non-polar, at codon 414 of the MED12 protein (p.Thr414Ala). This variant is not present in population databases (gnomAD no frequency). This variant has not been reported in the literature in individuals affected with MED12-related conditions. ClinVar contains an entry for this variant (Variation ID: 3019322). Invitae Evidence Modeling of protein sequence and biophysical properties (such as structural, functional, and spatial information, amino acid conservation, physicochemical variation, residue mobility, and thermodynamic stability) indicates that this missense variant is not expected to disrupt MED12 protein function with a negative predictive value of 95%. In summary, the available evidence is currently insufficient to determine the role of this variant in disease. Therefore, it has been classified as a Variant of Uncertain Significance.

Blueprint Genetics
Classification: Uncertain significance. Last evaluated: 2023-02-21. Review status: criteria provided, single submitter. Criteria: ACMG Guidelines, 2015. Collection method: clinical testing. Allele origin: germline.

NM_005120.3(MED12):c.1240A>G (p.Thr414Ala)

Gene: MED12 (mediator complex subunit 12; plus strand). Cytogenetic location: Xq13.1.
Variant type: single nucleotide variant.
Coding change: c.1240A>G on transcript NM_005120.3 (MANE Select); coding-DNA position 1240, A replaced by G.
Protein change: p.Thr414Ala; replaces threonine 414 with alanine.
Molecular consequence: missense variant.
Genome position (GRCh38, 1-based): chrX:71,122,338, A>G. VCF-style: chrX-71122338-A-G. GRCh37 (hg19) VCF-style: chrX-70342188-A-G.
Other names: short protein forms T414A.
Identifiers: ClinVar variation 3019322 (VCV003019322.4), dbSNP rs2519670002, ClinGen allele CA413505704.